The following is an entry in ClinVar:

ClinVar aggregate classification (germline): Uncertain significance. Review status: criteria provided, multiple submitters, no conflicts (2 of 4 stars). 2 submissions from 2 submitters: Uncertain significance (2). Last evaluated 2025-07-02.

Conditions:
Malignant hyperthermia, susceptibility to, 1 (MHS1). Also called: Anesthesia related hyperthermia; Malignant hyperpyrexia; Fulminating hyperpyrexia; Pharmacogenic myopathy; RYR1-Related Malignant Hyperthermia Susceptibility; Malignant hyperthermia suceptibility 1. Identifiers: Orphanet 423, MedGen C2930980, MONDO:0007783, OMIM 145600.
RYR1-related disorder. Also called: RYR1-related condition; RYR1-related disorders. Identifiers: MedGen CN239331.

Allele frequency attached by ClinVar (database versions not stated): gnomAD exomes below 0.00001; TOPMed 0.00001.
gnomAD v4.1: 2 of 1,612,984 alleles (0.00012%); highest among the groups gnomAD compares: Non-Finnish European, 0.00017%; no homozygotes.

Submissions (2):

Labcorp Genetics (formerly Invitae), Labcorp
Classification: Uncertain significance for RYR1-related disorder. Last evaluated: 2025-07-02. Review status: criteria provided, single submitter. Criteria: Invitae Variant Classification Sherloc (09022015). Collection method: clinical testing. Allele origin: germline.
Comment: This sequence change replaces leucine, which is neutral and non-polar, with glutamine, which is neutral and polar, at codon 81 of the RYR1 protein (p.Leu81Gln). This variant is not present in population databases (gnomAD no frequency). This variant has not been reported in the literature in individuals affected with RYR1-related conditions. ClinVar contains an entry for this variant (Variation ID: 3072279). Invitae Evidence Modeling of protein sequence and biophysical properties (such as structural, functional, and spatial information, amino acid conservation, physicochemical variation, residue mobility, and thermodynamic stability) has been performed for this missense variant. However, the output from this modeling did not meet the statistical confidence thresholds required to predict the impact of this variant on RYR1 protein function. In summary, the available evidence is currently insufficient to determine the role of this variant in disease. Therefore, it has been classified as a Variant of Uncertain Significance.

All of Us Research Program, National Institutes of Health
Classification: Uncertain significance for Malignant hyperthermia, susceptibility to, 1. Last evaluated: 2023-08-15. Review status: criteria provided, single submitter. Criteria: ACMG Guidelines, 2015. Collection method: clinical testing. Allele origin: germline. Inheritance: Autosomal dominant inheritance. Observed: 2 variant alleles, 2 heterozygotes.
Comment: This study involves interpretation of variants in research participants for the purpose of population health screening. Participant phenotype was not available at the time of variant classification. Additional details can be found in publication PMID: 35346344, PMCID: PMC8962531

NM_000540.3(RYR1):c.242T>A (p.Leu81Gln)

Gene: RYR1 (ryanodine receptor 1; plus strand). Cytogenetic location: 19q13.2.
Variant type: single nucleotide variant.
Coding change: c.242T>A on transcript NM_000540.3 (MANE Select); coding-DNA position 242, T replaced by A.
Protein change: p.Leu81Gln; replaces leucine 81 with glutamine.
Molecular consequence: missense variant.
Genome position (GRCh38, 1-based): chr19:38,442,425, T>A. VCF-style: chr19-38442425-T-A. GRCh37 (hg19) VCF-style: chr19-38933065-T-A.
Other names: c.242T>A, p.Leu81Gln (NM_001042723.2); short protein forms L81Q.
Identifiers: ClinVar variation 3072279 (VCV003072279.2), dbSNP rs1317843476, ClinGen allele CA405674343.